The following is an entry in ClinVar:

ClinVar aggregate classification (germline): Uncertain significance (1 of 4 stars; one submission).

Submission:

Labcorp Genetics (formerly Invitae), Labcorp
Classification: Uncertain significance. Last evaluated: 2022-07-19. Review status: criteria provided, single submitter. Criteria: Invitae Variant Classification Sherloc (09022015). Collection method: clinical testing. Allele origin: germline.
Comment: In summary, the available evidence is currently insufficient to determine the role of this variant in disease. Therefore, it has been classified as a Variant of Uncertain Significance. This variant has not been reported in the literature in individuals affected with PCDH15-related conditions. This variant is not present in population databases (gnomAD no frequency). This sequence change replaces leucine, which is neutral and non-polar, with phenylalanine, which is neutral and non-polar, at codon 663 of the PCDH15 protein (p.Leu663Phe). Algorithms developed to predict the effect of missense changes on protein structure and function are either unavailable or do not agree on the potential impact of this missense change (SIFT: "Deleterious"; PolyPhen-2: "Possibly Damaging"; Align-GVGD: "Class C0"). ClinVar contains an entry for this variant (Variation ID: 1506951).

NM_001384140.1(PCDH15):c.1987C>T (p.Leu663Phe)

Gene: PCDH15 (protocadherin related 15; minus strand). Cytogenetic location: 10q21.1.
Variant type: single nucleotide variant.
Coding change: c.1987C>T on transcript NM_001384140.1 (MANE Select); coding-DNA position 1987, C replaced by T.
Protein change: p.Leu663Phe; replaces leucine 663 with phenylalanine.
Molecular consequence: missense variant. On other transcripts: intron variant (1).
Genome position (GRCh38, 1-based): chr10:54,089,994, G>A on the plus strand (C>T on the coding strand, the complement: PCDH15 is on the minus strand). VCF-style: chr10-54089994-G-A. GRCh37 (hg19) VCF-style: chr10-55849754-G-A.
Other names: c.2002C>T, p.Leu668Phe (NM_001142763.2, NM_001142771.2); c.1987C>T, p.Leu663Phe (NM_001142764.2, NM_001142766.2, NM_001142770.3 and 5 more transcripts); c.1876C>T, p.Leu626Phe (NM_001142767.2); c.1921C>T, p.Leu641Phe (NM_001142768.2, NM_001142773.2, NM_001354404.2); c.2023C>T, p.Leu675Phe (NM_001142769.4); c.2008C>T, p.Leu670Phe (NM_001354411.2); c.1785-10570C>T (NM_001142765.2); short protein forms L663F, L668F, L670F, L675F, L641F, L626F.
Identifiers: ClinVar variation 1506951 (VCV001506951.8), dbSNP rs758868732, ClinGen allele CA376522807.